The following is an entry in ClinVar:

NM_000321.3(RB1):c.1831del (p.Arg611fs)

Gene: RB1 (RB transcriptional corepressor 1; plus strand). Cytogenetic location: 13q14.2.
Variant type: Deletion.
Coding change: c.1831del on transcript NM_000321.3 (MANE Select); coding-DNA position 1831, one base deleted (A; older notation c.1831delA).
Protein change: p.Arg611fs; shifts the reading frame from arginine 611.
Molecular consequence: frameshift variant.
Genome position (GRCh38, 1-based): chr13:48,456,220, A deleted; the last of 2 consecutive A bases (chr13:48,456,219-48,456,220); deleting either gives the same sequence. VCF-style (leftmost placement, unchanged base first): chr13-48456218-TA-T. GRCh37 (hg19) VCF-style: chr13-49030354-TA-T.
Other names: c.1831del, p.Arg611fs (NM_001407165.1); c.1831_1831delA (NM_000321.3); short protein forms R611fs.
Identifiers: ClinVar variation 3384165 (VCV003384165.1).

ClinVar aggregate classification (germline): Pathogenic (0 of 4 stars; one submission).

Conditions:
Retinoblastoma (RB1). Also called: RETINOBLASTOMA, SOMATIC. Identifiers: Orphanet 790, MedGen C0035335, MeSH D012175, MONDO:0008380, OMIM 180200, HP:0009919. Disease mechanism: loss of function. Inheritance: Both sporadic and heritable forms are tested..

Submission:

Clinical Genetics and Genomics Laboratory, Noor Shahriyar Hospital
Classification: Pathogenic for Retinoblastoma. Last evaluated: 2016-12-12. Review status: no assertion criteria provided. Collection method: clinical testing. Allele origin: germline. Affected: yes.
Comment: The NM_000321 c.1831delA, is a nonsense variant in RB1 which is predicted to result in a premature stop codon at position 622, and likely results in an absent or disrupted protein product (PVS1).

Variant c.1831delA (in RB1 gene) was first seen in persian population with Retinoblastoma (PMID: 27983729)

Literature cited by the submitters: PubMed 27983729.